The following is an entry in ClinVar:

ClinVar aggregate classification (germline): Pathogenic (1 of 4 stars; one submission).

Conditions:
T-B+ severe combined immunodeficiency due to JAK3 deficiency. Also called: SCID, autosomal recessive, T-negative/B-positive type; SCID, T CELL-NEGATIVE, B CELL-POSITIVE, NK CELL-NEGATIVE. Identifiers: Orphanet 35078, MedGen C1833275, MONDO:0010938, OMIM 600802.

Submission:

Labcorp Genetics (formerly Invitae), Labcorp
Classification: Pathogenic for T-B+ severe combined immunodeficiency due to JAK3 deficiency. Last evaluated: 2025-02-10. Review status: criteria provided, single submitter. Criteria: Invitae Variant Classification Sherloc (09022015). Collection method: clinical testing. Allele origin: germline.
Comment: This sequence change creates a premature translational stop signal (p.Thr435Hisfs*85) in the JAK3 gene. It is expected to result in an absent or disrupted protein product. Loss-of-function variants in JAK3 are known to be pathogenic (PMID: 7481768, 11668621). This variant is not present in population databases (gnomAD no frequency). This variant has not been reported in the literature in individuals affected with JAK3-related conditions. Algorithms developed to predict the effect of sequence changes on RNA splicing suggest that this variant may disrupt the consensus splice site. For these reasons, this variant has been classified as Pathogenic.

Literature cited by the submitters: PubMed 7481768; PubMed 11668621.

NM_000215.4(JAK3):c.1302dup (p.Thr435fs)

Gene: JAK3 (Janus kinase 3; minus strand). Cytogenetic location: 19p13.11.
Variant type: Duplication.
Coding change: c.1302dup on transcript NM_000215.4 (MANE Select); coding-DNA position 1302, one base duplicated (C; older notation c.1302dupC).
Protein change: p.Thr435fs; shifts the reading frame from threonine 435.
Molecular consequence: frameshift variant.
Genome position (GRCh38, 1-based): chr19:17,839,616, G duplicated on the plus strand (C on the coding strand, the reverse complement: JAK3 is on the minus strand); the first of 4 consecutive G bases (chr19:17,839,616-17,839,619); duplicating any one gives the same sequence. VCF-style (leftmost placement, unchanged base first): chr19-17839615-T-TG. GRCh37 (hg19) VCF-style: chr19-17950424-T-TG.
Other names: c.1302dup, p.Thr435fs (NM_001440439.1); short protein forms T435fs.
Identifiers: ClinVar variation 4712729 (VCV004712729.1).